The following is an entry in ClinVar:

ClinVar aggregate classification (germline): Conflicting classifications of pathogenicity. Review status: criteria provided, conflicting classifications (1 of 4 stars). 14 submissions from 9 submitters: Uncertain significance (10); Likely benign (3). 1 of the submissions does not count toward it. Last evaluated 2026-01-04.

Conditions:
Hereditary cancer-predisposing syndrome. Also called: Neoplastic Syndromes, Hereditary; Tumor predisposition; Hereditary neoplastic syndrome; Hereditary Cancer Syndrome. Identifiers: Orphanet 140162, MedGen C0027672, MeSH D009386, MONDO:0015356.
Cardiovascular phenotype. Identifiers: MedGen CN230736.
Café-au-lait macules with pulmonary stenosis (WTSN). Also called: PULMONIC STENOSIS WITH CAFE-AU-LAIT SPOTS. Identifiers: MedGen C0553586, MONDO:0008672, OMIM 193520.
Neurofibromatosis, familial spinal (FSNF). Identifiers: Orphanet 636, MedGen C1834235, MONDO:0008078, OMIM 162210. Disease mechanism: loss of function.
Neurofibromatosis, type 1 (NF1). Also called: Peripheral type neurofibromatosis; VON RECKLINGHAUSEN DISEASE; Neurofibromatosis, type I; NEUROFIBROMATOSIS, TYPE I, SOMATIC. Identifiers: Orphanet 636, MedGen C0027831, MONDO:0018975, OMIM 162200. Disease mechanism: loss of function.
Neurofibromatosis-Noonan syndrome (NFNS). Also called: NEUROFIBROMATOSIS WITH NOONAN PHENOTYPE. Identifiers: Orphanet 638, MedGen C2931482, MONDO:0011035, OMIM 601321. Disease mechanism: loss of function.
Abnormality of vision. Identifiers: MedGen C4025846, HP:0000504.
Abnormal electroretinogram. Identifiers: MedGen C0476397, HP:0000512.
Strabismus. Identifiers: MedGen C0038379, MONDO:0003432, HP:0000486.
Febrile seizure (within the age range of 3 months to 6 years). Also called: Febrile seizures; Febrile seizure; febrile convulsion. Identifiers: MedGen C0009952, HP:0002373.
Visual loss. Also called: Abnormal vision. Identifiers: MedGen C3665386, HP:0000572.
Cafe-au-lait spot. Also called: café-au-lait spots; Café au Lait; Café-au-lait spot. Identifiers: MedGen C0221263, HP:0000957.
Hyperactivity. Identifiers: MedGen C0424295, HP:0000752.
Abnormal macular morphology. Identifiers: MedGen C4520679, HP:0001103.
Abnormal macular pigmentation. Also called: Abnormality of macular pigmentation. Identifiers: MedGen C4024756, HP:0008002.
EEG with generalized slow activity. Identifiers: MedGen C4021217, HP:0010845.

Allele frequency attached by ClinVar (database versions not stated): gnomAD 0.00001; TOPMed 0.00001; gnomAD exomes 0.00002; ESP Exome Variant Server 0.00015.
gnomAD v4.1: 33 of 1,613,540 alleles (0.002%); highest among the groups gnomAD compares: Non-Finnish European, 0.0025%; no homozygotes.

Submissions (14):

Labcorp Genetics (formerly Invitae), Labcorp
Classification: Likely benign for Neurofibromatosis, type 1. Last evaluated: 2026-01-04. Review status: criteria provided, single submitter. Criteria: Invitae Variant Classification Sherloc (09022015). Collection method: clinical testing. Allele origin: germline.

Women's Health and Genetics/Laboratory Corporation of America, LabCorp
Classification: Uncertain significance. Last evaluated: 2025-10-14. Review status: criteria provided, single submitter. Criteria: LabCorp Variant Classification Summary - May 2015. Collection method: clinical testing. Allele origin: germline.
Comment: Variant summary: NF1 c.1987G>A (p.Gly663Arg) results in a non-conservative amino acid change in the encoded protein sequence. Algorithms developed to predict the effect of missense changes on protein structure and function are either unavailable or do not agree on the potential impact of this missense change. The variant allele was found at a frequency of 2.4e-05 in 251022 control chromosomes. The available data on variant occurrences in the general population are insufficient to allow any conclusion about variant significance. To our knowledge, no occurrence of c.1987G>A in individuals affected with NF1-related conditions and no experimental evidence demonstrating its impact on protein function have been reported. ClinVar contains an entry for this variant (Variation ID: 184278). Based on the evidence outlined above, the variant was classified as uncertain significance.

Quest Diagnostics Nichols Institute San Juan Capistrano
Classification: Uncertain significance. Last evaluated: 2024-02-16. Review status: criteria provided, single submitter. Criteria: Quest Diagnostics criteria. Collection method: clinical testing. Allele origin: unknown.

Greenwood Genetic Center Diagnostic Laboratories, Greenwood Genetic Center
Classification: Uncertain significance. Last evaluated: 2023-08-29. Review status: criteria provided, single submitter. Criteria: ACMG Guidelines, 2015. Collection method: clinical testing. Allele origin: germline. Affected: yes.
Comment: PM1, PM2, PP2

Sema4
Classification: Uncertain significance for Hereditary cancer-predisposing syndrome. Last evaluated: 2022-03-02. Review status: criteria provided, single submitter. Criteria: Sema4 Curation Guidelines. Collection method: curation. Allele origin: germline.
Comment: The NF1 c.1987G>A (p.G663R) variant has been reported in 5/60466 breast cancer cases and 5/53461 healthy controls by a large case-control study (PMID: 33471991). It was observed in 6/251022 chromosomes across all populations in the large and broad cohorts of the Genome Aggregation Database (PMID: 32461654). The variant has been reported in ClinVar (Variation ID: 184278). In silico tools suggest the impact of the variant on protein function is deleterious though these predictions have not been confirmed by functional studies. The evidence is insufficient to meet ACMG/AMP criteria for classifying the variant as benign or pathogenic. Thus, the clinical significance of this variant is currently uncertain.

GeneDx
Classification: Uncertain significance. Last evaluated: 2021-12-07. Review status: criteria provided, single submitter. Criteria: GeneDx Variant Classification Process June 2021. Collection method: clinical testing. Allele origin: germline. Affected: yes.
Comment: In silico analysis supports that this missense variant does not alter protein structure/function; Has not been previously published as pathogenic or benign to our knowledge; This variant is associated with the following publications: (PMID: 21520333, 23656349, 25486365)

Ambry Genetics
Classification: Likely benign for Cardiovascular phenotype; Hereditary cancer-predisposing syndrome. Last evaluated: 2020-08-18. Review status: criteria provided, single submitter. Criteria: Ambry Variant Classification Scheme 2023. Collection method: clinical testing. Allele origin: germline.

Illumina Laboratory Services, Illumina
Classification: Uncertain significance for Neurofibromatosis, familial spinal. Last evaluated: 2018-01-12. Review status: criteria provided, single submitter. Criteria: ICSL Variant Classification Criteria 13 December 2019. Collection method: clinical testing. Allele origin: germline.

Illumina Laboratory Services, Illumina
Classification: Uncertain significance for Neurofibromatosis-Noonan syndrome. Last evaluated: 2018-01-12. Review status: criteria provided, single submitter. Criteria: ICSL Variant Classification Criteria 13 December 2019. Collection method: clinical testing. Allele origin: germline.

Illumina Laboratory Services, Illumina
Classification: Uncertain significance for Café-au-lait macules with pulmonary stenosis. Last evaluated: 2018-01-12. Review status: criteria provided, single submitter. Criteria: ICSL Variant Classification Criteria 13 December 2019. Collection method: clinical testing. Allele origin: germline.

Illumina Laboratory Services, Illumina
Classification: Uncertain significance for Neurofibromatosis, type 1. Last evaluated: 2018-01-12. Review status: criteria provided, single submitter. Criteria: ICSL Variant Classification Criteria 13 December 2019. Collection method: clinical testing. Allele origin: germline.

Centre for Mendelian Genomics, University Medical Centre Ljubljana
Classification: Uncertain significance for Neurofibromatosis, type 1. Last evaluated: 2016-01-01. Review status: criteria provided, single submitter. Criteria: ACMG Guidelines, 2015. Collection method: clinical testing. Allele origin: unknown. Affected: yes.
Comment: This variant was classified as: Uncertain significance.

Ambry Genetics
Classification: Likely benign for Hereditary cancer-predisposing syndrome. Last evaluated: 2015-10-30. Review status: criteria provided, single submitter. Criteria: Ambry Autosomal Dominant and X-Linked criteria (10/2015). Collection method: clinical testing. Allele origin: germline. Observed: 1 variant allele.
Comment: Insufficient or conflicting evidence

Centre for Mendelian Genomics, University Medical Centre Ljubljana
Classification: Uncertain significance for Abnormal electroretinogram; Abnormal macular pigmentation; Abnormal macular morphology; Abnormality of vision; Cafe-au-lait spot; EEG with generalized slow activity; Febrile seizure (within the age range of 3 months to 6 years); Hyperactivity; Strabismus; Visual loss. Last evaluated: 2016-03-21. Review status: no assertion criteria provided. Collection method: clinical testing. Allele origin: unknown. Affected: yes. Not counted in ClinVar's aggregate classification.

Literature cited by the submitters: PubMed 10678181 (cited by Women's Health and Genetics/Laboratory Corporation of America, LabCorp); PubMed 23460398 (cited by Women's Health and Genetics/Laboratory Corporation of America, LabCorp); PubMed 29872168 (cited by Women's Health and Genetics/Laboratory Corporation of America, LabCorp); PubMed 27069254 (cited by Women's Health and Genetics/Laboratory Corporation of America, LabCorp); PubMed 33471991 (cited by Quest Diagnostics Nichols Institute San Juan Capistrano and Sema4); PubMed 29089047 (cited by Quest Diagnostics Nichols Institute San Juan Capistrano).

NM_001042492.3(NF1):c.1987G>A (p.Gly663Arg)

Gene: NF1 (neurofibromin 1; plus strand). Cytogenetic location: 17q11.2.
Variant type: single nucleotide variant.
Coding change: c.1987G>A on transcript NM_001042492.3 (MANE Select); coding-DNA position 1987, G replaced by A.
Protein change: p.Gly663Arg; replaces glycine 663 with arginine.
Molecular consequence: missense variant.
Genome position (GRCh38, 1-based): chr17:31,225,236, G>A. VCF-style: chr17-31225236-G-A. GRCh37 (hg19) VCF-style: chr17-29552254-G-A.
Other names: c.1987G>A, p.Gly663Arg (NM_000267.4); short protein forms G663R.
Identifiers: ClinVar variation 184278 (VCV000184278.26), dbSNP rs140653372, ClinGen allele CA188459.